The following continues an entry in ClinVar:

NM_005343.4(HRAS):c.34G>T (p.Gly12Cys)

ClinVar aggregate classification (germline): Pathogenic. Pathogenic (14). ClinVar aggregate classification (somatic clinical impact): Tier I - Strong.

Submissions 6 to 19 of 19:

Institute for Genomic Medicine (IGM) Clinical Laboratory, Nationwide Children's Hospital
Classification: Tier I - Strong for Embryonal rhabdomyosarcoma. Assertion type: diagnostic. Clinical significance: supports diagnosis. Last evaluated: 2023-08-02. Review status: criteria provided, single submitter. Criteria: AMP/ASCO/CAP Guidelines, 2017. Collection method: clinical testing. Allele origin: somatic. Affected: yes.
Comment: Variant has Tier I (strong) clinical significance as a diagnostic inclusion criterion in embryonal rhabdomyosarcoma, based on the following evidence: 1) Documented in one or more cancer databases (e.g., St. Jude Pecan, COSMIC, CIViC, OncoKB). 2) Appears in one or more well-established professional guidelines (e.g., World Health Organization [WHO]; National Comprehensive Cancer Network [NCCN]) as providing diagnostic, prognostic, or therapeutic information. 3) Information in the literature supports potential biologic effect of variant (PMIDs: 6092966, 24224811). 4) Diagnostic for a specific tumor type/classification based on well-powered studies with expert-level consensus (Evidence Level B; PMIDs: 34166060, 24436047, 2680062, 19681119, 24332040, 25768946).

Breda Genetics srl
Classification: Pathogenic for Costello syndrome. Last evaluated: 2022-09-21. Review status: criteria provided, single submitter. Criteria: ACMG Guidelines, 2015. Collection method: clinical testing. Allele origin: germline. Inheritance: Autosomal dominant inheritance. Affected: yes. Observed: 1 variant allele, 1 heterozygote.
Comment: The variant in c.34G>T (p.Gly12Cys) in HRAS gene is reported as pathogenic for Costello syndrome and other HRAS-related diseases in ClinVar (Variation ID: 12613) and in the Global Variome shared LOVD database v.3.0 (genomic variant: #0000345686). There is no information on frequency in gnomAD or 1000 Genomes Project. The variant has been reported in in multiple individuals affected with Costello Syndrome (Choi et al., 2019, PMID: 31394527; McCormick et al., 2013, PMID: 23429430; Niihori et al., 2011, PMID: 21850009).

Blueprint Genetics
Classification: Pathogenic for HRAS-related disorders. Last evaluated: 2022-06-02. Review status: criteria provided, single submitter. Criteria: ACMG Guidelines, 2015. Collection method: clinical testing. Allele origin: germline. Affected: yes. Observed: 2 variant alleles.

GeneDx
Classification: Pathogenic. Last evaluated: 2022-03-10. Review status: criteria provided, single submitter. Criteria: GeneDx Variant Classification Process June 2021. Collection method: clinical testing. Allele origin: germline. Affected: yes.
Comment: Published functional studies of the G12C variant have shown that it results in increased active, GTP-bound HRAS (Niihori et al., 2011); In silico analysis supports that this missense variant has a deleterious effect on protein structure/function; Not observed in large population cohorts (gnomAD); The majority of missense variants in this gene are considered pathogenic (HGMD); This variant is associated with the following publications: (PMID: 16443854, 24224811, 23093928, 24803665, 31394527, 22926243, 21850009, 16155195, 18039947, 33258288, 29493581)

CeGaT Center for Human Genetics Tuebingen
Classification: Pathogenic. Last evaluated: 2022-02-01. Review status: criteria provided, single submitter. Criteria: CeGaT Center For Human Genetics Tuebingen Variant Classification Criteria Version 2. Collection method: clinical testing. Allele origin: germline. Affected: yes. Observed: 2 variant alleles.

Women's Health and Genetics/Laboratory Corporation of America, LabCorp
Classification: Pathogenic for Costello syndrome. Last evaluated: 2020-11-09. Review status: criteria provided, single submitter. Criteria: LabCorp Variant Classification Summary - May 2015. Collection method: clinical testing. Allele origin: germline.
Comment: Variant summary: HRAS c.34G>T (p.Gly12Cys) results in a non-conservative amino acid change located in the Small GTP-binding protein domain (IPR005225) of the encoded protein sequence. Four of five in-silico tools predict a damaging effect of the variant on protein function. The variant was absent in 250294 control chromosomes (gnomAD). c.34G>T has been reported in the literature in multiple individuals affected with Costello Syndrome (e.g. Niihori_2011, McCormick_2013, Choi_2019). These data indicate that the variant is very likely to be associated with disease. In functional studies, Niihori et al (Niihori_2011) report that there was an increase in guanosine triphosphate (GTP)-bound HRAS and activation of RAS signaling pathway (as measured by the activation of ELK1 and c-Jun) in cells transfected with the variant of interest. In addition, HGMD database reports several other missense variants affecting the same codon and nearby codons (e.g. p.G12R, p.G12S, p.G12V, p.G12A, p.G13D, p.G13C) suggesting this area might be a mutational hotspot. Four ClinVar submitters (evaluation after 2014) cite the variant as pathogenic. Based on the evidence outlined above, the variant was classified as pathogenic.

Fulgent Genetics
Classification: Pathogenic for Malignant tumor of urinary bladder; Large congenital melanocytic nevus; Epidermal nevus; Linear nevus sebaceous syndrome; Thyroid cancer, nonmedullary, 2; Costello syndrome. Last evaluated: 2018-10-31. Review status: criteria provided, single submitter. Criteria: ACMG Guidelines, 2015. Collection method: clinical testing. Allele origin: unknown.

Molecular Diagnostics Lab, Nemours Children's Health, Delaware
Classification: Pathogenic for Costello syndrome. Last evaluated: 2014-06-04. Review status: criteria provided, single submitter. Criteria: ACMG Guidelines, 2015. Collection method: clinical testing. Allele origin: unknown. Affected: yes. Observed: 1 variant allele.

Laboratory for Molecular Medicine, Mass General Brigham Personalized Medicine
Classification: Pathogenic for Costello syndrome. Last evaluated: 2012-11-20. Review status: criteria provided, single submitter. Criteria: LMM Criteria. Collection method: clinical testing. Allele origin: germline. Inheritance: Autosomal dominant inheritance. Observed: 1 variant allele.
Comment: The Gly12Cys variant in HRAS has been reported in the literature in six individu als with severe neonatal Costello syndrome (Kerr 2006, Lo 2008, Lin 2009, Niihor i 2011, Lorenz 2012). This variant has been reported to have occurred de novo in one proband (Lorenz 2012). Several other DNA variants affecting codon 12 of HRA S are commonly observed in patients with Costello syndrome (Niihori 2011). There fore, this variant is highly likely to be pathogenic.

Juno Genomics, Hangzhou Juno Genomics, Inc
Classification: Pathogenic for Malignant tumor of urinary bladder; Costello syndrome; Epidermal nevus; Linear nevus sebaceous syndrome; Large congenital melanocytic nevus; Thyroid cancer, nonmedullary, 2. Review status: criteria provided, single submitter. Criteria: ACMG Guidelines, 2015. Collection method: clinical testing. Allele origin: germline. Affected: yes.
Comment: Absent from controls (or at extremely low frequency if recessive) in Genome Aggregation Database, Exome Sequencing Project, 1000 Genomes Project, or Exome Aggregation Consortium.;The prevalence of the variant in affected individuals is significantly increased compared to the prevalence in controls.;Patient's phenotype or family history is highly specific for a disease with a single genetic etiology.;De novo (both maternity and paternity confirmed) in a patient with the disease and no family history.;Multiple lines of computational evidence support a deleterious effect on the gene or gene product (conservation, evolutionary, splicing impact, etc).;Novel missense change at an amino acid residue where a different missense change determined to be pathogenic has been seen before.

OMIM
Classification: Pathogenic for COSTELLO SYNDROME. Last evaluated: 2012-06-10. Review status: no assertion criteria provided. Collection method: literature only. Allele origin: unknown. Not counted in ClinVar's aggregate classification.

OMIM
Classification: Pathogenic for NEVUS SEBACEOUS, SOMATIC. Last evaluated: 2012-06-10. Review status: no assertion criteria provided. Collection method: literature only. Allele origin: somatic. Not counted in ClinVar's aggregate classification.

OMIM
Classification: Pathogenic for EPIDERMAL NEVUS, SOMATIC. Last evaluated: 2012-06-10. Review status: no assertion criteria provided. Collection method: literature only. Allele origin: somatic. Not counted in ClinVar's aggregate classification.

Baylor Genetics
Classification: Pathogenic for Rasopathy. Review status: no assertion criteria provided. Collection method: clinical testing. Allele origin: unknown. Affected: yes. Not counted in ClinVar's aggregate classification.
Comment: Variant classified using ACMG guidelines

Literature cited by the submitters: PubMed 31394527 (cited by 3 submitters); PubMed 22926243 (cited by 4 submitters); PubMed 24637993 (cited by The Central Laboratory of Birth Defects Prevention and Control, The Affiliated Women and Children's Hospital of Ningbo University); PubMed 21850009 (cited by 7 submitters); PubMed 16443854 (cited by 3 submitters); PubMed 18039947 (cited by 4 submitters); PubMed 16170316 (cited by Labcorp Genetics (formerly Invitae), Labcorp); PubMed 16372351 (cited by Labcorp Genetics (formerly Invitae), Labcorp); PubMed 16835863 (cited by Labcorp Genetics (formerly Invitae), Labcorp); PubMed 17601930 (cited by Labcorp Genetics (formerly Invitae), Labcorp); PubMed 18042262 (cited by Labcorp Genetics (formerly Invitae), Labcorp); PubMed 22420426 (cited by Labcorp Genetics (formerly Invitae), Labcorp); PubMed 28027064 (cited by Labcorp Genetics (formerly Invitae), Labcorp); PubMed 6092966 (cited by Institute for Genomic Medicine (IGM) Clinical Laboratory, Nationwide Children's Hospital); PubMed 24224811 (cited by Institute for Genomic Medicine (IGM) Clinical Laboratory, Nationwide Children's Hospital); PubMed 34166060 (cited by Institute for Genomic Medicine (IGM) Clinical Laboratory, Nationwide Children's Hospital); PubMed 24436047 (cited by Institute for Genomic Medicine (IGM) Clinical Laboratory, Nationwide Children's Hospital); PubMed 2680062 (cited by Institute for Genomic Medicine (IGM) Clinical Laboratory, Nationwide Children's Hospital); PubMed 19681119 (cited by Institute for Genomic Medicine (IGM) Clinical Laboratory, Nationwide Children's Hospital); PubMed 24332040 (cited by Institute for Genomic Medicine (IGM) Clinical Laboratory, Nationwide Children's Hospital); PubMed 25768946 (cited by Institute for Genomic Medicine (IGM) Clinical Laboratory, Nationwide Children's Hospital); PubMed 23429430 (cited by Breda Genetics srl and Women's Health and Genetics/Laboratory Corporation of America, LabCorp); PubMed 19382114 (cited by Molecular Diagnostics Lab, Nemours Children's Health, Delaware and Laboratory for Molecular Medicine, Mass General Brigham Personalized Medicine); PubMed 22683711 (cited by OMIM); PubMed 22499344 (cited by OMIM).